The following is an entry in ClinVar:

ClinVar aggregate classification (germline): Benign/Likely benign. Review status: criteria provided, multiple submitters, no conflicts (2 of 4 stars). 11 submissions from 11 submitters: Benign (9); Likely benign (2). Last evaluated 2026-01-26.

Conditions:
Ehlers-Danlos syndrome (EDS). Identifiers: Orphanet 98249, MedGen C0013720, MONDO:0020066.
Aneurysm-osteoarthritis syndrome. Also called: SMAD3-Related Loeys-Dietz Syndrome; ANEURYSMS-OSTEOARTHRITIS SYNDROME; Loeys-Dietz syndrome, type 1C; LOEYS-DIETZ SYNDROME WITH OSTEOARTHRITIS. Identifiers: Orphanet 284984, MedGen C3151087, MONDO:0013426, OMIM 613795.
Familial thoracic aortic aneurysm and aortic dissection (TAAD). Also called: Thoracic aortic aneurysms and dissections. Identifiers: Orphanet 91387, MedGen C4707243, MONDO:0019625.

Allele frequency attached by ClinVar (database versions not stated): gnomAD exomes 0.00038 and 0.00138; gnomAD 0.00039 and 0.00058; TOPMed 0.00064; ExAC 0.00155; 1000 Genomes Project 30x 0.00234; 1000 Genomes Project 0.00240.
gnomAD v4.1: 647 of 1,613,362 alleles (0.04%); highest among the groups gnomAD compares: East Asian, 1.3%; 7 homozygotes.

Submissions (11):

Labcorp Genetics (formerly Invitae), Labcorp
Classification: Benign for Familial thoracic aortic aneurysm and aortic dissection. Last evaluated: 2026-01-26. Review status: criteria provided, single submitter. Criteria: Invitae Variant Classification Sherloc (09022015). Collection method: clinical testing. Allele origin: germline.

Blueprint Genetics
Classification: Likely benign. Last evaluated: 2024-10-28. Review status: criteria provided, single submitter. Criteria: ACMG Guidelines, 2015. Collection method: clinical testing. Allele origin: germline.

ARUP Laboratories, Molecular Genetics and Genomics, ARUP Laboratories
Classification: Benign for Aneurysm-osteoarthritis syndrome. Last evaluated: 2024-02-16. Review status: criteria provided, single submitter. Criteria: ARUP Molecular Germline Variant Investigation Process 2024. Collection method: clinical testing. Allele origin: germline.

All of Us Research Program, National Institutes of Health
Classification: Benign for Aneurysm-osteoarthritis syndrome. Last evaluated: 2024-02-05. Review status: criteria provided, single submitter. Criteria: ACMG Guidelines, 2015. Collection method: clinical testing. Allele origin: germline. Inheritance: Autosomal dominant inheritance. Observed: 76 variant alleles, 76 heterozygotes.
Comment: This study involves interpretation of variants in research participants for the purpose of population health screening. Participant phenotype was not available at the time of variant classification. Additional details can be found in publication PMID: 35346344, PMCID: PMC8962531

CHEO Genetics Diagnostic Laboratory, Children's Hospital of Eastern Ontario
Classification: Benign for Familial thoracic aortic aneurysm and aortic dissection. Last evaluated: 2023-01-09. Review status: criteria provided, single submitter. Criteria: ACMG Guidelines, 2015. Collection method: clinical testing. Allele origin: germline.

Genome Diagnostics Laboratory, The Hospital for Sick Children
Classification: Likely benign for Ehlers-Danlos syndrome. Last evaluated: 2022-07-22. Review status: criteria provided, single submitter. Criteria: ACMG Guidelines, 2015. Collection method: clinical testing. Allele origin: germline.

Women's Health and Genetics/Laboratory Corporation of America, LabCorp
Classification: Benign. Last evaluated: 2021-01-07. Review status: criteria provided, single submitter. Criteria: LabCorp Variant Classification Summary - May 2015. Collection method: clinical testing. Allele origin: germline.

Color Diagnostics, LLC DBA Color Health
Classification: Benign for Familial thoracic aortic aneurysm and aortic dissection. Last evaluated: 2018-03-08. Review status: criteria provided, single submitter. Criteria: ACMG Guidelines, 2015. Collection method: clinical testing. Allele origin: germline.

Ambry Genetics
Classification: Benign for Familial thoracic aortic aneurysm and aortic dissection. Last evaluated: 2015-09-14. Review status: criteria provided, single submitter. Criteria: Ambry Variant Classification Scheme 2023. Collection method: clinical testing. Allele origin: germline.

GeneDx
Classification: Benign. Last evaluated: 2014-11-20. Review status: criteria provided, single submitter. Criteria: GeneDx Variant Classification (06012015). Collection method: clinical testing. Allele origin: germline. Affected: yes.
Comment: This variant is considered likely benign or benign based on one or more of the following criteria: it is a conservative change, it occurs at a poorly conserved position in the protein, it is predicted to be benign by multiple in silico algorithms, and/or has population frequency not consistent with disease.

PreventionGenetics, part of Exact Sciences
Classification: Benign. Review status: criteria provided, single submitter. Criteria: ACMG Guidelines, 2015. Collection method: clinical testing. Allele origin: germline.

NM_005902.4(SMAD3):c.66G>A (p.Glu22=)

Gene: SMAD3 (SMAD family member 3; plus strand). Cytogenetic location: 15q22.33.
Variant type: single nucleotide variant.
Coding change: c.66G>A on transcript NM_005902.4 (MANE Select); coding-DNA position 66, G replaced by A.
Protein change: p.Glu22=; no amino-acid change (glutamic acid 22 retained).
Molecular consequence: synonymous variant.
Genome position (GRCh38, 1-based): chr15:67,066,220, G>A. VCF-style: chr15-67066220-G-A. GRCh37 (hg19) VCF-style: chr15-67358558-G-A.
Other names: p.E22E:GAG>GAA.
Identifiers: ClinVar variation 213757 (VCV000213757.36), dbSNP rs187952791, ClinGen allele CA062557.
Genomic context (GRCh38, chr15:67,066,220, plus strand): 5'-GTCCATCCTGCCTTTCACTCCCCCGATCGTGAAGCGCCTGCTGGGCTGGAAGAAGGGCGA[G>A]CAGAACGGGCAGGAGGAGAAATGGTGCGAGAAGGCGGTCAAGAGCCTGGTCAAGAAACTC-3'
Protein context (NP_005893.1, residues 12-32): VKRLLGWKKG[Glu22=]QNGQEEKWCE